The following is an entry in ClinVar:

NC_000001.11:g.73494196_73528121dup

Variant type: Duplication.
Identifiers: ClinVar variation 156741 (VCV000156741.2).

ClinVar aggregate classification (germline): not provided (0 of 4 stars; one submission).

Conditions:
Small for gestational age. Also called: Low birth weight. Identifiers: MedGen C0235991, HP:0001518.

Submission:

Institute of Molecular and Cell Biology, University of Tartu
No classification provided. Condition: Small for gestational age. Review status: no classification provided. Collection method: case-control. Allele origin: unknown. Affected: yes. Study: Kasak2014.
Comment: The study aimed to determine the contribution of copy number variants in the genetic etiology of normal and complicated pregnancies. The samples represented (i) maternal blood DNA drawn from healthy pregnant women during 1st or 2nd trimester and (ii) maternal and paternal blood DNA drawn at term pregnancy cases representing normal and complicated gestations (severe preeclampsia, PE; gestational diabetes, GD; small-for-gestational age newborn, SGA; large-for-gestational age newborn, LGA). We performed CNV calling based on genome-wide genotyping dataset (Illumina HumanOmniExpress-24-v1 BeadChip) by applying three algorithms, QuantiSNP, GADA (Genome Alteration Detection Algorithm) and CNstream in parallel. The acquired CNV calls were merged with HD-CNV (Hotspot Detector for Copy Number Variants) program and only the CNVs predicted by at least two programs, were considered in subsequent analysis.

Literature cited by the submitters: PubMed 25666259.